The following is an entry in ClinVar:

ClinVar aggregate classification (germline): Uncertain significance. Review status: criteria provided, multiple submitters, no conflicts (2 of 4 stars). 2 submissions from 2 submitters: Uncertain significance (2). Last evaluated 2025-08-09.

Conditions:
Inborn genetic diseases. Identifiers: MedGen C0950123, MeSH D030342.

Allele frequency attached by ClinVar (database versions not stated): gnomAD 0.00008; TOPMed 0.00008; ExAC 0.00010; 1000 Genomes Project 30x 0.00031.
gnomAD v4.1: 164 of 1,511,294 alleles (0.011%); highest among the groups gnomAD compares: Non-Finnish European, 0.013%; no homozygotes.

Submissions (2):

Ambry Genetics
Classification: Uncertain significance for Inborn genetic diseases. Last evaluated: 2025-08-09. Review status: criteria provided, single submitter. Criteria: Ambry Variant Classification Scheme 2023. Collection method: clinical testing. Allele origin: germline.

Labcorp Genetics (formerly Invitae), Labcorp
Classification: Uncertain significance. Last evaluated: 2021-08-27. Review status: criteria provided, single submitter. Criteria: Invitae Variant Classification Sherloc (09022015). Collection method: clinical testing. Allele origin: germline.
Comment: This sequence change replaces proline with glutamine at codon 199 of the NKX3-2 protein (p.Pro199Gln). The proline residue is highly conserved and there is a moderate physicochemical difference between proline and glutamine. While this variant is present in population databases (rs757083947), the frequency information is unreliable, as metrics indicate poor data quality at this position in the ExAC database. This variant has not been reported in the literature in individuals affected with NKX3-2-related conditions. Algorithms developed to predict the effect of missense changes on protein structure and function output the following: SIFT: "Tolerated"; PolyPhen-2: "Benign"; Align-GVGD: "Class C0". The glutamine amino acid residue is found in multiple mammalian species, which suggests that this missense change does not adversely affect protein function. In summary, the available evidence is currently insufficient to determine the role of this variant in disease. Therefore, it has been classified as a Variant of Uncertain Significance.

NM_001189.4(NKX3-2):c.596C>A (p.Pro199Gln)

Genes: NKX3-2 (NK3 homeobox 2; minus strand), LOC129992265 (ATAC-STARR-seq lymphoblastoid silent region 15286; plus strand). Cytogenetic location: 4p15.33.
Variant type: single nucleotide variant.
Coding change: c.596C>A on transcript NM_001189.4 (MANE Select); coding-DNA position 596, C replaced by A.
Protein change: p.Pro199Gln; replaces proline 199 with glutamine.
Molecular consequence: missense variant.
Genome position (GRCh38, 1-based): chr4:13,542,399, G>T on the plus strand (C>A on the coding strand, the complement: NKX3-2 is on the minus strand). VCF-style: chr4-13542399-G-T. GRCh37 (hg19) VCF-style: chr4-13544023-G-T.
Other names: c.596C>A (NM_001189.3); short protein forms P199Q.
Identifiers: ClinVar variation 1400680 (VCV001400680.10), dbSNP rs757083947, ClinGen allele CA2860342.